The following is an entry in ClinVar:

NM_001122630.2(CDKN1C):c.752C>G (p.Ala251Gly)

Gene: CDKN1C (cyclin dependent kinase inhibitor 1C; minus strand). Cytogenetic location: 11p15.4.
Variant type: single nucleotide variant.
Coding change: c.752C>G on transcript NM_001122630.2 (MANE Select); coding-DNA position 752, C replaced by G.
Protein change: p.Ala251Gly; replaces alanine 251 with glycine.
Molecular consequence: missense variant. On other transcripts: intron variant (1).
Genome position (GRCh38, 1-based): chr11:2,884,705, G>C on the plus strand (C>G on the coding strand, the complement: CDKN1C is on the minus strand). VCF-style: chr11-2884705-G-C. GRCh37 (hg19) VCF-style: chr11-2905935-G-C.
Other names: c.785C>G, p.Ala262Gly (NM_000076.2, NM_001362474.2); c.752C>G, p.Ala251Gly (NM_001122631.2); c.255+497C>G (NM_001362475.2); short protein forms A251G, A262G.
Identifiers: ClinVar variation 4810467 (VCV004810467.1).
Genomic context (GRCh38, chr11:2,884,705, plus strand): 5'-CGGGGCGGGGCCGTGCGGGGCTCACCGGAGATCAGAGGCCCGGACAGCTTCTTGATCGCC[G>C]CGCCGTTGGCGCTGGCGGCCGCGGTGCCGGCCGCGGGACGTCCCGAAATCCCCGAGTGCA-3'
Protein context (NP_001116102.1, residues 241-261): AGTAAASANG[Ala251Gly]AIKKLSGPLI

ClinVar aggregate classification (germline): Uncertain significance (1 of 4 stars; one submission).

Conditions:
Beckwith-Wiedemann syndrome (BWS). Also called: Exomphalos macroglossia gigantism syndrome; EMG SYNDROME. Identifiers: Orphanet 116, MedGen C0004903, MONDO:0007534, OMIM 130650.

Submission:

Labcorp Genetics (formerly Invitae), Labcorp
Classification: Uncertain significance for Beckwith-Wiedemann syndrome. Last evaluated: 2025-08-19. Review status: criteria provided, single submitter. Criteria: Invitae Variant Classification Sherloc (09022015). Collection method: clinical testing. Allele origin: germline.
Comment: This sequence change replaces alanine, which is neutral and non-polar, with glycine, which is neutral and non-polar, at codon 262 of the CDKN1C protein (p.Ala262Gly). This variant is not present in population databases (gnomAD no frequency). This variant has not been reported in the literature in individuals affected with CDKN1C-related conditions. Invitae Evidence Modeling of protein sequence and biophysical properties (such as structural, functional, and spatial information, amino acid conservation, physicochemical variation, residue mobility, and thermodynamic stability) indicates that this missense variant is not expected to disrupt CDKN1C protein function with a negative predictive value of 80%. In summary, the available evidence is currently insufficient to determine the role of this variant in disease. Therefore, it has been classified as a Variant of Uncertain Significance.